The following is an entry in ClinVar:

ClinVar aggregate classification (germline): Pathogenic. Review status: criteria provided, single submitter (1 of 4 stars). 2 submissions from 2 submitters: Pathogenic (1). 1 of the submissions does not count toward it. Last evaluated 2022-01-15.

Conditions:
Cohen syndrome (COH1). Also called: Cutis verticis gyrata, retinitis pigmentosa, and sensorineural deafness; PEPPER SYNDROME. Identifiers: Orphanet 193, MedGen C0265223, MONDO:0008999, OMIM 216550.

Submissions (2):

Labcorp Genetics (formerly Invitae), Labcorp
Classification: Pathogenic for Cohen syndrome. Last evaluated: 2022-01-15. Review status: criteria provided, single submitter. Criteria: Invitae Variant Classification Sherloc (09022015). Collection method: clinical testing. Allele origin: germline.
Comment: ClinVar contains an entry for this variant (Variation ID: 551202). This sequence change creates a premature translational stop signal (p.Gln3213Valfs*19) in the VPS13B gene. It is expected to result in an absent or disrupted protein product. Loss-of-function variants in VPS13B are known to be pathogenic (PMID: 15141358, 16648375, 20461111). This variant is not present in population databases (gnomAD no frequency). This variant has not been reported in the literature in individuals affected with VPS13B-related conditions. For these reasons, this variant has been classified as Pathogenic.

Counsyl
Classification: Likely pathogenic for Cohen syndrome. Last evaluated: 2017-03-21. Review status: no assertion criteria provided. Collection method: clinical testing. Allele origin: unknown. Not counted in ClinVar's aggregate classification.

Literature cited by the submitters: PubMed 15141358 (cited by Labcorp Genetics (formerly Invitae), Labcorp); PubMed 16648375 (cited by Labcorp Genetics (formerly Invitae), Labcorp); PubMed 20461111 (cited by Labcorp Genetics (formerly Invitae), Labcorp).

NM_152564.5(VPS13B):c.9562_9565del (p.Gln3188fs)

Gene: VPS13B (vacuolar protein sorting 13 homolog B; plus strand). Cytogenetic location: 8q22.2.
Variant type: Microsatellite.
Coding change: c.9562_9565del on transcript NM_152564.5 (MANE Select); coding-DNA positions 9562 to 9565, 4 bases deleted (CAGA; older notation c.9562_9565delCAGA).
Protein change: p.Gln3188fs; shifts the reading frame from glutamine 3188.
Molecular consequence: frameshift variant.
Genome position (GRCh38, 1-based): chr8:99,832,600-99,832,603, CAGA deleted; deleting any 4 consecutive bases within chr8:99,832,596-99,832,603 gives the same sequence; the c. name uses the placement nearest the transcript's 3' end. VCF-style (leftmost placement, unchanged base first): chr8-99832595-CCAGA-C. GRCh37 (hg19) VCF-style: chr8-100844823-CCAGA-C.
Other names: c.9637_9640delCAGA (NM_017890.4); c.9637_9640del, p.Gln3213fs (NM_017890.5); short protein forms Q3188fs, Q3213fs.
Identifiers: ClinVar variation 551202 (VCV000551202.7), dbSNP rs1554574028, ClinGen allele CA658823166.
Genomic context (GRCh38, chr8:99,832,595, plus strand): 5'-CCCCAGGTGCTGACAGCTCACAGTGCTGGAGCCTGCCAGCTATAGTTAGACCAGAGTTTC[CCAGA>C]CAGAGTGTGGCAGTACCCCTCGGGAATTTCCGGGAAAATGGATTCTGTACCAGGTATTTT-3'